The following is an entry in ClinVar:

NM_182961.4(SYNE1):c.-223-1G>A

Gene: SYNE1 (spectrin repeat containing nuclear envelope protein 1; minus strand). Cytogenetic location: 6q25.2.
Variant type: single nucleotide variant.
Coding change: c.-223-1G>A on transcript NM_182961.4 (MANE Select); the canonical splice acceptor site of the intron before 223 bases upstream of the start codon, G replaced by A.
Molecular consequence: splice acceptor variant.
Genome position (GRCh38, 1-based): chr6:152,628,555, C>T on the plus strand (G>A on the coding strand, the complement: SYNE1 is on the minus strand). VCF-style: chr6-152628555-C-T. GRCh37 (hg19) VCF-style: chr6-152949690-C-T.
Other names: c.-223-1G>A (NM_033071.5).
Identifiers: ClinVar variation 4814162 (VCV004814162.1).

ClinVar aggregate classification (germline): Uncertain significance (1 of 4 stars; one submission).

Conditions:
Autosomal recessive ataxia, Beauce type. Also called: Spinocerebellar ataxia, autosomal recessive 8; ATAXIA, RECESSIVE, OF BEAUCE; SYNE1 Deficiency; SYNE1-Related Autosomal Recessive Cerebellar Ataxia. Identifiers: Orphanet 88644, MedGen C1853116, MONDO:0012549, OMIM 610743.

Submission:

OLLIN Analises Genomicas, OLLIN
Classification: Uncertain significance for Autosomal recessive ataxia, Beauce type. Last evaluated: 2025-06-23. Review status: criteria provided, single submitter. Criteria: ACMG Guidelines 2015 PMID 25741868. Collection method: clinical testing. Allele origin: germline. Affected: yes. Observed: 1 variant allele.
Comment: The intronic variant (splice acceptor) (chr6:152628555C>T), located in intron 2 (of 146 exons), is not reported in the gnomAD v4.1 non-UKB or ClinVar databases, nor was it found in the scientific literature. According to the currently available evidence, this variant has been classified as of uncertain significance (VUS) (PM2_P).